The following is an entry in ClinVar:

NM_021252.5(RAB18):c.187-41A>G

Gene: RAB18 (RAB18, member RAS oncogene family; plus strand). Cytogenetic location: 10p12.1.
Variant type: single nucleotide variant.
Coding change: c.187-41A>G on transcript NM_021252.5 (MANE Select); 41 bases into the intron before coding-DNA position 187, A replaced by G.
Molecular consequence: intron variant.
Genome position (GRCh38, 1-based): chr10:27,532,466, A>G. VCF-style: chr10-27532466-A-G. GRCh37 (hg19) VCF-style: chr10-27821395-A-G.
Other names: c.274-41A>G (NM_001256410.2); c.187-41A>G (NM_001256411.2); c.187-1462A>G (NM_001256412.2).
Identifiers: ClinVar variation 676972 (VCV000676972.2), dbSNP rs12265154, ClinGen allele CA5452314.

ClinVar aggregate classification (germline): Likely benign. Review status: criteria provided, multiple submitters, no conflicts (2 of 4 stars). 2 submissions from 2 submitters: Likely benign (2). Last evaluated 2018-06-16.

Allele frequency attached by ClinVar (database versions not stated): gnomAD exomes 0.00100 and 0.00236; ExAC 0.00311; gnomAD 0.00875 and 0.00932; TOPMed 0.00978; ESP Exome Variant Server 0.01087; 1000 Genomes Project 0.01178; 1000 Genomes Project 30x 0.01312.
gnomAD v4.1: 2,651 of 1,432,524 alleles (0.19%); highest among the groups gnomAD compares: African/African-American, 3%; 25 homozygotes.

Submissions (2):

GeneDx
Classification: Likely benign. Last evaluated: 2018-06-16. Review status: criteria provided, single submitter. Criteria: GeneDx Variant Classification (06012015). Collection method: clinical testing. Allele origin: germline. Affected: yes.
Comment: This variant is considered likely benign or benign based on one or more of the following criteria: it is a conservative change, it occurs at a poorly conserved position in the protein, it is predicted to be benign by multiple in silico algorithms, and/or has population frequency not consistent with disease.

Breakthrough Genomics
Classification: Likely benign. Review status: criteria provided, single submitter. Criteria: ACMG Guidelines, 2015. Collection method: not provided. Allele origin: germline. Inheritance: Autosomal recessive inheritance. Affected: yes.